The following is an entry in ClinVar:

NM_006662.3(SRCAP):c.4115G>C (p.Arg1372Thr)

Gene: SRCAP (Snf2 related CREBBP activator protein; plus strand). Cytogenetic location: 16p11.2.
Variant type: single nucleotide variant.
Coding change: c.4115G>C on transcript NM_006662.3 (MANE Select); coding-DNA position 4115, G replaced by C.
Protein change: p.Arg1372Thr; replaces arginine 1372 with threonine.
Molecular consequence: missense variant.
Genome position (GRCh38, 1-based): chr16:30,723,185, G>C. VCF-style: chr16-30723185-G-C. GRCh37 (hg19) VCF-style: chr16-30734506-G-C.
Other names: short protein forms R1372T.
Identifiers: ClinVar variation 2721438 (VCV002721438.3), dbSNP rs543494300, ClinGen allele CA8011668.

ClinVar aggregate classification (germline): Uncertain significance (1 of 4 stars; one submission).

Allele frequency attached by ClinVar (database versions not stated): gnomAD 0.00001; TOPMed 0.00001; ExAC 0.00003; gnomAD exomes 0.00004.
gnomAD v4.1: 52 of 1,613,910 alleles (0.0032%); highest among the groups gnomAD compares: Non-Finnish European, 0.0044%; no homozygotes.

Submission:

Labcorp Genetics (formerly Invitae), Labcorp
Classification: Uncertain significance. Last evaluated: 2022-11-26. Review status: criteria provided, single submitter. Criteria: Invitae Variant Classification Sherloc (09022015). Collection method: clinical testing. Allele origin: germline.
Comment: This sequence change replaces arginine, which is basic and polar, with threonine, which is neutral and polar, at codon 1372 of the SRCAP protein (p.Arg1372Thr). This variant is present in population databases (rs543494300, gnomAD 0.004%). This variant has not been reported in the literature in individuals affected with SRCAP-related conditions. Advanced modeling of protein sequence and biophysical properties (such as structural, functional, and spatial information, amino acid conservation, physicochemical variation, residue mobility, and thermodynamic stability) performed at Invitae indicates that this missense variant is not expected to disrupt SRCAP protein function. In summary, the available evidence is currently insufficient to determine the role of this variant in disease. Therefore, it has been classified as a Variant of Uncertain Significance.